The following is an entry in ClinVar:

ClinVar aggregate classification (germline): Uncertain significance. Review status: criteria provided, multiple submitters, no conflicts (2 of 4 stars). 3 submissions from 3 submitters: Uncertain significance (3). Last evaluated 2025-07-24.

Conditions:
Charcot-Marie-Tooth disease, dominant intermediate G. Identifiers: MedGen C4693509, MONDO:0036484, OMIM 617882.

Allele frequency attached by ClinVar (database versions not stated): gnomAD exomes below 0.00001; TOPMed below 0.00001; gnomAD 0.00001.
gnomAD v4.1: 2 of 1,607,220 alleles (0.00012%); highest among the groups gnomAD compares: African/African-American, 0.0013%; no homozygotes.

Submissions (3):

GeneDx
Classification: Uncertain significance. Last evaluated: 2025-07-24. Review status: criteria provided, single submitter. Criteria: GeneDx Variant Classification Process June 2021. Collection method: clinical testing. Allele origin: germline.
Comment: Not observed at significant frequency in large population cohorts (gnomAD); In silico analysis supports that this missense variant has a deleterious effect on protein structure/function; Has not been previously published in an individual with NEFL-related disease as pathogenic or benign to our knowledge; This variant is associated with the following publications: (PMID: 29760388)

MGZ Medical Genetics Center
Classification: Uncertain significance for Charcot-Marie-Tooth disease, dominant intermediate G. Last evaluated: 2022-02-28. Review status: criteria provided, single submitter. Criteria: ACMG Guidelines, 2015. Collection method: clinical testing. Allele origin: germline. Affected: yes. Observed: 1 variant allele.
Comment: ACMG criteria applied: PM2_SUP

CeGaT Center for Human Genetics Tuebingen
Classification: Uncertain significance. Last evaluated: 2017-06-01. Review status: criteria provided, single submitter. Criteria: CeGaT Center For Human Genetics Tuebingen Variant Classification Criteria Version 2. Collection method: clinical testing. Allele origin: germline. Affected: yes. Observed: 1 variant allele.

NM_006158.5(NEFL):c.146C>T (p.Ser49Phe)

Gene: NEFL (neurofilament light chain; minus strand). Cytogenetic location: 8p21.2.
Variant type: single nucleotide variant.
Coding change: c.146C>T on transcript NM_006158.5 (MANE Select); coding-DNA position 146, C replaced by T.
Protein change: p.Ser49Phe; replaces serine 49 with phenylalanine.
Molecular consequence: missense variant.
Genome position (GRCh38, 1-based): chr8:24,956,370, G>A on the plus strand (C>T on the coding strand, the complement: NEFL is on the minus strand). VCF-style: chr8-24956370-G-A. GRCh37 (hg19) VCF-style: chr8-24813884-G-A.
Other names: c.146C>T (NM_006158.3); short protein forms S49F.
Identifiers: ClinVar variation 444743 (VCV000444743.47), dbSNP rs779764890, ClinGen allele CA174061854.